The following is an entry in ClinVar:

ClinVar aggregate classification (germline): Conflicting classifications of pathogenicity. Review status: criteria provided, conflicting classifications (1 of 4 stars). 3 submissions from 3 submitters: Uncertain significance (2); Likely benign (1). Last evaluated 2025-08-07.

Conditions:
Hereditary cancer-predisposing syndrome. Also called: Hereditary Cancer Syndrome; Neoplastic Syndromes, Hereditary; Tumor predisposition; Hereditary neoplastic syndrome. Identifiers: Orphanet 140162, MedGen C0027672, MeSH D009386, MONDO:0015356.
Hereditary breast ovarian cancer syndrome. Also called: Breast and ovarian cancer; Hereditary breast and ovarian cancer; Hereditary breast and/or ovarian cancer syndrome; BRCA1- and BRCA2-Associated Hereditary Breast and Ovarian Cancer; Hereditary breast and ovarian cancer syndrome (HBOC); Hereditary breast and ovarian cancer syndrome. Identifiers: Orphanet 145, MedGen C0677776, MeSH D061325, MONDO:0003582. Disease mechanism: loss of function.

Submissions (3):

Labcorp Genetics (formerly Invitae), Labcorp
Classification: Uncertain significance for Hereditary breast ovarian cancer syndrome. Last evaluated: 2025-08-07. Review status: criteria provided, single submitter. Criteria: Invitae Variant Classification Sherloc (09022015). Collection method: clinical testing. Allele origin: germline.
Comment: This sequence change replaces serine, which is neutral and polar, with threonine, which is neutral and polar, at codon 1786 of the BRCA2 protein (p.Ser1786Thr). This variant is not present in population databases (gnomAD no frequency). This variant has not been reported in the literature in individuals affected with BRCA2-related conditions. ClinVar contains an entry for this variant (Variation ID: 1747032). Invitae Evidence Modeling of protein sequence and biophysical properties (such as structural, functional, and spatial information, amino acid conservation, physicochemical variation, residue mobility, and thermodynamic stability) indicates that this missense variant is not expected to disrupt BRCA2 protein function with a negative predictive value of 95%. In summary, the available evidence is currently insufficient to determine the role of this variant in disease. Therefore, it has been classified as a Variant of Uncertain Significance.

Ambry Genetics
Classification: Uncertain significance for Hereditary cancer-predisposing syndrome. Last evaluated: 2025-06-29. Review status: criteria provided, single submitter. Criteria: Ambry Variant Classification Scheme 2023. Collection method: clinical testing. Allele origin: germline.
Comment: The p.S1786T variant (also known as c.5357G>C), located in coding exon 10 of the BRCA2 gene, results from a G to C substitution at nucleotide position 5357. The serine at codon 1786 is replaced by threonine, an amino acid with similar properties. This amino acid position is conserved. In addition, this alteration is predicted to be tolerated by in silico analysis. Since supporting evidence is limited at this time, the clinical significance of this alteration remains unclear.

University of Washington Department of Laboratory Medicine, University of Washington
Classification: Likely benign for Hereditary cancer-predisposing syndrome. Last evaluated: 2023-03-23. Review status: criteria provided, single submitter. Criteria: Dines et al. (Genet Med. 2020). Collection method: curation. Allele origin: germline.
Comment: Missense variant in a coldspot region where missense variants are very unlikely to be pathogenic (PMID:31911673).

BRCA2 exon 11 coldspot. Reclassification based on statistical prior probability.

NM_000059.4(BRCA2):c.5357G>C (p.Ser1786Thr)

Gene: BRCA2 (BRCA2 DNA repair associated; plus strand). Cytogenetic location: 13q13.1.
Variant type: single nucleotide variant.
Coding change: c.5357G>C on transcript NM_000059.4 (MANE Select); coding-DNA position 5357, G replaced by C.
Protein change: p.Ser1786Thr; replaces serine 1786 with threonine.
Molecular consequence: missense variant.
Genome position (GRCh38, 1-based): chr13:32,339,712, G>C. VCF-style: chr13-32339712-G-C. GRCh37 (hg19) VCF-style: chr13-32913849-G-C.
Other names: c.5357G>C, p.Ser1786Thr (NM_001406719.1, NM_001406720.1); short protein forms S1786T.
Identifiers: ClinVar variation 1747032 (VCV001747032.8), dbSNP rs2137516744, ClinGen allele CA387785083.